The following is an entry in ClinVar:

ClinVar aggregate classification (germline): Uncertain significance (1 of 4 stars; one submission).

Allele frequency attached by ClinVar (database versions not stated): ExAC 0.00001.

Submission:

Labcorp Genetics (formerly Invitae), Labcorp
Classification: Uncertain significance. Last evaluated: 2022-02-10. Review status: criteria provided, single submitter. Criteria: Invitae Variant Classification Sherloc (09022015). Collection method: clinical testing. Allele origin: germline.
Comment: Algorithms developed to predict the effect of missense changes on protein structure and function are either unavailable or do not agree on the potential impact of this missense change (SIFT: "Deleterious"; PolyPhen-2: "Benign"; Align-GVGD: "Class C0"). This sequence change replaces glutamic acid, which is acidic and polar, with glycine, which is neutral and non-polar, at codon 87 of the RNF168 protein (p.Glu87Gly). This variant is present in population databases (rs775033461, gnomAD 0.003%). This variant has not been reported in the literature in individuals affected with RNF168-related conditions. In summary, the available evidence is currently insufficient to determine the role of this variant in disease. Therefore, it has been classified as a Variant of Uncertain Significance.

NM_152617.4(RNF168):c.260A>G (p.Glu87Gly)

Gene: RNF168 (ring finger protein 168; minus strand). Cytogenetic location: 3q29.
Variant type: single nucleotide variant.
Coding change: c.260A>G on transcript NM_152617.4 (MANE Select); coding-DNA position 260, A replaced by G.
Protein change: p.Glu87Gly; replaces glutamic acid 87 with glycine.
Molecular consequence: missense variant.
Genome position (GRCh38, 1-based): chr3:196,502,914, T>C on the plus strand (A>G on the coding strand, the complement: RNF168 is on the minus strand). VCF-style: chr3-196502914-T-C. GRCh37 (hg19) VCF-style: chr3-196229785-T-C.
Other names: short protein forms E87G.
Identifiers: ClinVar variation 1477015 (VCV001477015.8), dbSNP rs775033461, ClinGen allele CA2781014.
Genomic context (GRCh38, chr3:196,502,914, plus strand): 5'-CACGCCATGGTTTACTCACCCACTTCCTCTGATTCTTGGCCAGACGCTCTAAGCTTGCAC[T>C]CCCTGGGATAGTGTTTTTGAATTATCGTCCACAGTTCCACGTTGACGAGAGAATTTCTTC-3'
Protein context (NP_689830.2, residues 77-97): WTIIQKHYPR[Glu87Gly]CKLRASGQES